The following is an entry in ClinVar:

ClinVar aggregate classification (germline): Uncertain significance. Review status: criteria provided, multiple submitters, no conflicts (2 of 4 stars). 2 submissions from 2 submitters: Uncertain significance (2). Last evaluated 2025-01-12.

Conditions:
Congenital contractural arachnodactyly (CCA). Also called: BEALS SYNDROME; Beals-Hecht syndrome; Arthrogryposis, distal, type 9. Identifiers: Orphanet 115, MedGen C0220668, MONDO:0007363, OMIM 121050.
Familial thoracic aortic aneurysm and aortic dissection (TAAD). Also called: Thoracic aortic aneurysms and dissections. Identifiers: Orphanet 91387, MedGen C4707243, MONDO:0019625.

Submissions (2):

Labcorp Genetics (formerly Invitae), Labcorp
Classification: Uncertain significance for Congenital contractural arachnodactyly. Last evaluated: 2025-01-12. Review status: criteria provided, single submitter. Criteria: Invitae Variant Classification Sherloc (09022015). Collection method: clinical testing. Allele origin: germline.
Comment: This sequence change replaces threonine, which is neutral and polar, with asparagine, which is neutral and polar, at codon 1669 of the FBN2 protein (p.Thr1669Asn). This variant is not present in population databases (gnomAD no frequency). This variant has not been reported in the literature in individuals affected with FBN2-related conditions. Invitae Evidence Modeling of protein sequence and biophysical properties (such as structural, functional, and spatial information, amino acid conservation, physicochemical variation, residue mobility, and thermodynamic stability) indicates that this missense variant is not expected to disrupt FBN2 protein function with a negative predictive value of 95%. In summary, the available evidence is currently insufficient to determine the role of this variant in disease. Therefore, it has been classified as a Variant of Uncertain Significance.

Ambry Genetics
Classification: Uncertain significance for Familial thoracic aortic aneurysm and aortic dissection. Last evaluated: 2024-11-15. Review status: criteria provided, single submitter. Criteria: Ambry Variant Classification Scheme 2023. Collection method: clinical testing. Allele origin: germline.
Comment: The p.T1669N variant (also known as c.5006C>A), located in coding exon 39 of the FBN2 gene, results from a C to A substitution at nucleotide position 5006. The threonine at codon 1669 is replaced by asparagine, an amino acid with similar properties. This amino acid position is highly conserved in available vertebrate species. In addition, the in silico prediction for this alteration is inconclusive. Based on the available evidence, the clinical significance of this variant remains unclear.

NM_001999.4(FBN2):c.5006C>A (p.Thr1669Asn)

Gene: FBN2 (fibrillin 2; minus strand). Cytogenetic location: 5q23.3.
Variant type: single nucleotide variant.
Coding change: c.5006C>A on transcript NM_001999.4 (MANE Select); coding-DNA position 5006, C replaced by A.
Protein change: p.Thr1669Asn; replaces threonine 1669 with asparagine.
Molecular consequence: missense variant.
Genome position (GRCh38, 1-based): chr5:128,311,368, G>T on the plus strand (C>A on the coding strand, the complement: FBN2 is on the minus strand). VCF-style: chr5-128311368-G-T. GRCh37 (hg19) VCF-style: chr5-127647060-G-T.
Other names: short protein forms T1669N.
Identifiers: ClinVar variation 3513663 (VCV003513663.3).